The following is an entry in ClinVar:

ClinVar aggregate classification (germline): Uncertain significance. Review status: criteria provided, multiple submitters, no conflicts (2 of 4 stars). 3 submissions from 3 submitters: Uncertain significance (3). Last evaluated 2026-04-04.

Conditions:
Progressive microcephaly-seizures-cortical blindness-developmental delay syndrome. Also called: Seizures, cortical blindness, and microcephaly syndrome. Identifiers: Orphanet 477814, MedGen C5567650, MONDO:0014714, OMIM 616632.
Autosomal dominant nonsyndromic hearing loss 1. Also called: KONIGSMARK SYNDROME; DEAFNESS, AUTOSOMAL DOMINANT 1, WITH OR WITHOUT THROMBOCYTOPENIA. Identifiers: Orphanet 90635, MedGen C1852282, MONDO:0007424, OMIM 124900.

Allele frequency attached by ClinVar (database versions not stated): gnomAD exomes 0.00001 and below 0.00001; gnomAD 0.00001; TOPMed below 0.00001; ExAC 0.00001.
gnomAD v4.1: 13 of 1,614,108 alleles (0.00081%); highest among the groups gnomAD compares: Non-Finnish European, 0.0011%; no homozygotes.

Submissions (3):

GeneDx
Classification: Uncertain significance. Last evaluated: 2026-04-04. Review status: criteria provided, single submitter. Criteria: GeneDx Variant Classification Process June 2021. Collection method: clinical testing. Allele origin: germline.
Comment: Not observed at significant frequency in large population cohorts (gnomAD); In silico analysis supports that this missense variant has a deleterious effect on protein structure/function; This variant is associated with the following publications: (PMID: 33229591)

Blueprint Genetics
Classification: Uncertain significance. Last evaluated: 2024-09-10. Review status: criteria provided, single submitter. Criteria: ACMG Guidelines, 2015. Collection method: clinical testing. Allele origin: germline.

Labcorp Genetics (formerly Invitae), Labcorp
Classification: Uncertain significance for Progressive microcephaly-seizures-cortical blindness-developmental delay syndrome; Autosomal dominant nonsyndromic hearing loss 1. Last evaluated: 2023-02-18. Review status: criteria provided, single submitter. Criteria: Invitae Variant Classification Sherloc (09022015). Collection method: clinical testing. Allele origin: germline.
Comment: In summary, the available evidence is currently insufficient to determine the role of this variant in disease. Therefore, it has been classified as a Variant of Uncertain Significance. An algorithm developed to predict the effect of missense changes on protein structure and function (PolyPhen-2) suggests that this variant is likely to be disruptive. This sequence change replaces histidine, which is basic and polar, with arginine, which is basic and polar, at codon 1043 of the DIAPH1 protein (p.His1043Arg). This variant is present in population databases (rs756215904, gnomAD 0.0009%). This missense change has been observed in individual(s) with clinical features of DIAPH1-related conditions (PMID: 33229591). ClinVar contains an entry for this variant (Variation ID: 1436866).

Literature cited by the submitters: PubMed 33229591 (cited by Labcorp Genetics (formerly Invitae), Labcorp).

NM_005219.5(DIAPH1):c.3128A>G (p.His1043Arg)

Gene: DIAPH1 (diaphanous related formin 1; minus strand). Cytogenetic location: 5q31.3.
Variant type: single nucleotide variant.
Coding change: c.3128A>G on transcript NM_005219.5 (MANE Select); coding-DNA position 3128, A replaced by G.
Protein change: p.His1043Arg; replaces histidine 1043 with arginine.
Molecular consequence: missense variant.
Genome position (GRCh38, 1-based): chr5:141,528,473, T>C on the plus strand (A>G on the coding strand, the complement: DIAPH1 is on the minus strand). VCF-style: chr5-141528473-T-C. GRCh37 (hg19) VCF-style: chr5-140908040-T-C.
Other names: c.3101A>G, p.His1034Arg (NM_001079812.3); c.3128A>G, p.His1043Arg (NM_001314007.2); c.3128A>G (NM_005219.4); short protein forms H1034R, H1043R.
Identifiers: ClinVar variation 1436866 (VCV001436866.10), dbSNP rs756215904, ClinGen allele CA3478893.